The following is an entry in ClinVar:

ClinVar aggregate classification (germline): Uncertain significance (1 of 4 stars; one submission).

Conditions:
Neurodevelopmental disorder with or without hyperkinetic movements and seizures, autosomal dominant. Also called: Intellectual disability, autosomal dominant 8. Identifiers: MedGen C3280282, MONDO:0013655, OMIM 614254.

Submission:

Labcorp Genetics (formerly Invitae), Labcorp
Classification: Uncertain significance for Neurodevelopmental disorder with or without hyperkinetic movements and seizures, autosomal dominant. Last evaluated: 2025-10-10. Review status: criteria provided, single submitter. Criteria: Invitae Variant Classification Sherloc (09022015). Collection method: clinical testing. Allele origin: germline.
Comment: This sequence change replaces proline, which is neutral and non-polar, with arginine, which is basic and polar, at codon 263 of the GRIN1 protein (p.Pro263Arg). Information on the frequency of this variant in the gnomAD database is not available, as this variant may be reported differently in the database. This variant has not been reported in the literature in individuals affected with GRIN1-related conditions. An algorithm developed to predict the effect of missense changes on protein structure and function (PolyPhen-2) suggests that this variant is likely to be disruptive. In summary, the available evidence is currently insufficient to determine the role of this variant in disease. Therefore, it has been classified as a Variant of Uncertain Significance.

NM_007327.4(GRIN1):c.788_789delinsGG (p.Pro263Arg)

Gene: GRIN1 (glutamate ionotropic receptor NMDA type subunit 1; plus strand). Cytogenetic location: 9q34.3.
Variant type: Indel.
Coding change: c.788_789delinsGG on transcript NM_007327.4 (MANE Select); coding-DNA positions 788 to 789, CA replaced by GG.
Protein change: p.Pro263Arg; replaces proline 263 with arginine.
Molecular consequence: missense variant.
Genome position (GRCh38, 1-based): chr9:137,156,785-137,156,786, CA replaced by GG. VCF-style: chr9-137156785-CA-GG. GRCh37 (hg19) VCF-style: chr9-140051237-CA-GG.
Other names: c.788_789delinsGG, p.Pro263Arg (NM_000832.7, NM_021569.4); c.851_852delinsGG, p.Pro284Arg (NM_001185090.2, NM_001185091.2, NM_001437330.1 and 1 more transcripts); short protein forms P263R, P284R.
Identifiers: ClinVar variation 4728901 (VCV004728901.1).